The following is an entry in ClinVar:

NM_001042492.3(NF1):c.2416G>A (p.Glu806Lys)

Gene: NF1 (neurofibromin 1; plus strand). Cytogenetic location: 17q11.2.
Variant type: single nucleotide variant.
Coding change: c.2416G>A on transcript NM_001042492.3 (MANE Select); coding-DNA position 2416, G replaced by A.
Protein change: p.Glu806Lys; replaces glutamic acid 806 with lysine.
Molecular consequence: missense variant.
Genome position (GRCh38, 1-based): chr17:31,229,031, G>A. VCF-style: chr17-31229031-G-A. GRCh37 (hg19) VCF-style: chr17-29556049-G-A.
Other names: c.2416G>A, p.Glu806Lys (NM_000267.4); short protein forms E806K.
Identifiers: ClinVar variation 2442659 (VCV002442659.1), dbSNP rs2151428800, ClinGen allele CA398983805.

ClinVar aggregate classification (germline): Uncertain significance (1 of 4 stars; one submission).

Submission:

GeneDx
Classification: Uncertain significance. Last evaluated: 2022-09-06. Review status: criteria provided, single submitter. Criteria: GeneDx Variant Classification Process June 2021. Collection method: clinical testing. Allele origin: germline. Affected: yes.
Comment: Not observed at significant frequency in large population cohorts (gnomAD); In silico analysis supports that this missense variant does not alter protein structure/function; Has not been previously published as pathogenic or benign to our knowledge; This variant is associated with the following publications: (PMID: 25486365)